The following is an entry in ClinVar:

NM_001394372.1(BICRA):c.271G>A (p.Gly91Ser)

Gene: BICRA (BRD4 interacting chromatin remodeling complex associated protein; plus strand). Cytogenetic location: 19q13.33.
Variant type: single nucleotide variant.
Coding change: c.271G>A on transcript NM_001394372.1 (MANE Select); coding-DNA position 271, G replaced by A.
Protein change: p.Gly91Ser; replaces glycine 91 with serine.
Molecular consequence: missense variant.
Genome position (GRCh38, 1-based): chr19:47,679,441, G>A. VCF-style: chr19-47679441-G-A. GRCh37 (hg19) VCF-style: chr19-48182698-G-A.
Other names: c.271G>A, p.Gly91Ser (NM_015711.3); short protein forms G91S.
Identifiers: ClinVar variation 3040595 (VCV003040595.6), dbSNP rs191148484, ClinGen allele CA9541578.

ClinVar aggregate classification (germline): Likely benign. Review status: criteria provided, single submitter (1 of 4 stars). 2 submissions from 2 submitters: Likely benign (1). 1 of the submissions does not count toward it. Last evaluated 2026-03-01.

Conditions:
BICRA-related disorder. Also called: BICRA-related condition.

Allele frequency attached by ClinVar (database versions not stated): gnomAD 0.00111; TOPMed 0.00147; ExAC 0.00193; 1000 Genomes Project 0.00260; 1000 Genomes Project 30x 0.00265.
gnomAD v4.1: 323 of 1,497,132 alleles (0.022%); highest among the groups gnomAD compares: African/African-American, 0.41%; 1 homozygote.

Submissions (2):

CeGaT Center for Human Genetics Tuebingen
Classification: Likely benign. Last evaluated: 2026-03-01. Review status: criteria provided, single submitter. Criteria: CeGaT Center For Human Genetics Tuebingen Variant Classification Criteria Version 2. Collection method: clinical testing. Allele origin: germline. Affected: yes. Observed: 1 variant allele.
Comment: BICRA: BP4, BS1

PreventionGenetics, part of Exact Sciences
Classification: Likely benign for BICRA-related condition. Last evaluated: 2022-10-21. Review status: no assertion criteria provided. Collection method: clinical testing. Allele origin: germline. Not counted in ClinVar's aggregate classification.
Comment: This variant is classified as likely benign based on ACMG/AMP sequence variant interpretation guidelines (Richards et al. 2015 PMID: 25741868, with internal and published modifications).